The following is an entry in ClinVar:

ClinVar aggregate classification (germline): Uncertain significance (1 of 4 stars; one submission).

Allele frequency attached by ClinVar (database versions not stated): gnomAD exomes below 0.00001.

Submission:

Labcorp Genetics (formerly Invitae), Labcorp
Classification: Uncertain significance. Last evaluated: 2025-06-02. Review status: criteria provided, single submitter. Criteria: Invitae Variant Classification Sherloc (09022015). Collection method: clinical testing. Allele origin: germline.
Comment: This sequence change replaces alanine, which is neutral and non-polar, with glycine, which is neutral and non-polar, at codon 145 of the SERPING1 protein (p.Ala145Gly). This variant is not present in population databases (gnomAD no frequency). This variant has not been reported in the literature in individuals affected with SERPING1-related conditions. ClinVar contains an entry for this variant (Variation ID: 3023917). Invitae Evidence Modeling of protein sequence and biophysical properties (such as structural, functional, and spatial information, amino acid conservation, physicochemical variation, residue mobility, and thermodynamic stability) indicates that this missense variant is expected to disrupt SERPING1 protein function with a positive predictive value of 80%. In summary, the available evidence is currently insufficient to determine the role of this variant in disease. Therefore, it has been classified as a Variant of Uncertain Significance.

NM_000062.3(SERPING1):c.434C>G (p.Ala145Gly)

Gene: SERPING1 (serpin family G member 1; plus strand). Cytogenetic location: 11q12.1.
Variant type: single nucleotide variant.
Coding change: c.434C>G on transcript NM_000062.3 (MANE Select); coding-DNA position 434, C replaced by G.
Protein change: p.Ala145Gly; replaces alanine 145 with glycine.
Molecular consequence: missense variant.
Genome position (GRCh38, 1-based): chr11:57,600,261, C>G. VCF-style: chr11-57600261-C-G. GRCh37 (hg19) VCF-style: chr11-57367734-C-G.
Other names: c.434C>G, p.Ala145Gly (NM_001032295.2); short protein forms A145G.
Identifiers: ClinVar variation 3023917 (VCV003023917.3), dbSNP rs2495426507, ClinGen allele CA380695358.